The following is an entry in ClinVar:

ClinVar aggregate classification (germline): Uncertain significance (1 of 4 stars; one submission).

Conditions:
Myopathy, proximal, and ophthalmoplegia (CMYO6). Also called: MYOPATHY WITH CONGENITAL JOINT CONTRACTURES, OPHTHALMOPLEGIA, AND RIMMED VACUOLES; INCLUSION BODY MYOPATHY 3, AUTOSOMAL DOMINANT; CONGENITAL MYOPATHY 6 WITH OPHTHALMOPLEGIA. Identifiers: Orphanet 363677, Orphanet 79091, MedGen C1854106, MONDO:0011577, OMIM 605637.

Allele frequency attached by ClinVar (database versions not stated): gnomAD exomes below 0.00001 and 0.00001; gnomAD 0.00001; TOPMed 0.00002.

Submission:

Labcorp Genetics (formerly Invitae), Labcorp
Classification: Uncertain significance for Myopathy, proximal, and ophthalmoplegia. Last evaluated: 2021-11-24. Review status: criteria provided, single submitter. Criteria: Invitae Variant Classification Sherloc (09022015). Collection method: clinical testing. Allele origin: germline.
Comment: Algorithms developed to predict the effect of missense changes on protein structure and function are either unavailable or do not agree on the potential impact of this missense change (SIFT: "Deleterious"; PolyPhen-2: "Benign"; Align-GVGD: "Class C45"). This variant has not been reported in the literature in individuals affected with MYH2-related conditions. This variant is present in population databases (no rsID available, gnomAD 0.01%). This sequence change replaces serine, which is neutral and polar, with asparagine, which is neutral and polar, at codon 1782 of the MYH2 protein (p.Ser1782Asn). In summary, the available evidence is currently insufficient to determine the role of this variant in disease. Therefore, it has been classified as a Variant of Uncertain Significance.

NM_017534.6(MYH2):c.5345G>A (p.Ser1782Asn)

Genes: MYH2 (myosin heavy chain 2; minus strand), MYHAS (myosin heavy chain gene cluster antisense RNA; plus strand). Cytogenetic location: 17p13.1.
Variant type: single nucleotide variant.
Coding change: c.5345G>A on transcript NM_017534.6 (MANE Select); coding-DNA position 5345, G replaced by A.
Protein change: p.Ser1782Asn; replaces serine 1782 with asparagine.
Molecular consequence: missense variant.
Genome position (GRCh38, 1-based): chr17:10,523,623, C>T on the plus strand (G>A on the coding strand, the complement: MYH2 is on the minus strand). VCF-style: chr17-10523623-C-T. GRCh37 (hg19) VCF-style: chr17-10426940-C-T.
Other names: c.5345G>A, p.Ser1782Asn (NM_001100112.2); short protein forms S1782N.
Identifiers: ClinVar variation 1449064 (VCV001449064.6), dbSNP rs1178820376, ClinGen allele CA398117038.